The following is an entry in ClinVar:

NM_007186.6(CEP250):c.5238T>G (p.His1746Gln)

Gene: CEP250 (centrosomal protein 250; plus strand). Cytogenetic location: 20q11.22.
Variant type: single nucleotide variant.
Coding change: c.5238T>G on transcript NM_007186.6 (MANE Select); coding-DNA position 5238, T replaced by G.
Protein change: p.His1746Gln; replaces histidine 1746 with glutamine.
Molecular consequence: missense variant.
Genome position (GRCh38, 1-based): chr20:35,503,607, T>G. VCF-style: chr20-35503607-T-G. GRCh37 (hg19) VCF-style: chr20-34091435-T-G.
Other names: c.5238T>G (NM_007186.3); c.3342T>G, p.His1114Gln (NM_001318219.1); short protein forms H1114Q, H1746Q.
Identifiers: ClinVar variation 961211 (VCV000961211.9), dbSNP rs967779006, ClinGen allele CA408750852.

ClinVar aggregate classification (germline): Conflicting classifications of pathogenicity. Review status: criteria provided, conflicting classifications (1 of 4 stars). 3 submissions from 3 submitters: Uncertain significance (2); Likely benign (1). Last evaluated 2025-08-06.

Allele frequency attached by ClinVar (database versions not stated): gnomAD exomes below 0.00001.
gnomAD v4.1: 9 of 1,614,032 alleles (0.00056%); highest among the groups gnomAD compares: Non-Finnish European, 0.00059%; no homozygotes.

Submissions (3):

Ambry Genetics
Classification: Likely benign. Last evaluated: 2025-08-06. Review status: criteria provided, single submitter. Criteria: Ambry Variant Classification Scheme 2023. Collection method: clinical testing. Allele origin: germline.

Labcorp Genetics (formerly Invitae), Labcorp
Classification: Uncertain significance. Last evaluated: 2023-07-07. Review status: criteria provided, single submitter. Criteria: Invitae Variant Classification Sherloc (09022015). Collection method: clinical testing. Allele origin: germline.
Comment: Algorithms developed to predict the effect of missense changes on protein structure and function output the following: SIFT: "Not Available"; PolyPhen-2: "Benign"; Align-GVGD: "Not Available". The glutamine amino acid residue is found in multiple mammalian species, which suggests that this missense change does not adversely affect protein function. In summary, the available evidence is currently insufficient to determine the role of this variant in disease. Therefore, it has been classified as a Variant of Uncertain Significance. ClinVar contains an entry for this variant (Variation ID: 961211). This variant has not been reported in the literature in individuals affected with CEP250-related conditions. This variant is present in population databases (no rsID available, gnomAD no frequency). This sequence change replaces histidine, which is basic and polar, with glutamine, which is neutral and polar, at codon 1746 of the CEP250 protein (p.His1746Gln).

Blueprint Genetics
Classification: Uncertain significance. Last evaluated: 2020-07-31. Review status: criteria provided, single submitter. Criteria: ACMG Guidelines, 2015. Collection method: clinical testing. Allele origin: germline.